The following is an entry in ClinVar:

ClinVar aggregate classification (germline): Likely pathogenic (1 of 4 stars; one submission).

Conditions:
Cohen syndrome (COH1). Also called: PEPPER SYNDROME; Cutis verticis gyrata, retinitis pigmentosa, and sensorineural deafness. Identifiers: Orphanet 193, MedGen C0265223, MONDO:0008999, OMIM 216550.

Submission:

Labcorp Genetics (formerly Invitae), Labcorp
Classification: Likely pathogenic for Cohen syndrome. Last evaluated: 2021-10-20. Review status: criteria provided, single submitter. Criteria: Invitae Variant Classification Sherloc (09022015). Collection method: clinical testing. Allele origin: germline.
Comment: This variant results in a copy number gain of the genomic region encompassing exon 17 of the VPS13B gene. While the exact position of this variant cannot be determined from this data, sub-genic copy number gains are generally in tandem (PMID: 25640679) and may result in an absent or disrupted protein product. This variant has not been reported in the literature in individuals with VPS13B-related conditions. Loss-of-function variants in VPS13B are known to be pathogenic (PMID: 15141358, 16648375, 20461111). In summary, the currently available evidence indicates that the variant is pathogenic, but additional data are needed to prove that conclusively. Therefore, this variant has been classified as Likely Pathogenic.

Literature cited by the submitters: PubMed 25640679; PubMed 15141358; PubMed 16648375; PubMed 20461111.

NC_000008.10:g.(?_100205094)_(100205295_?)dup

Gene: VPS13B (vacuolar protein sorting 13 homolog B; plus strand). Cytogenetic location: 8q22.2.
Variant type: Duplication.
Identifiers: ClinVar variation 1521771 (VCV001521771.3).